The following is an entry in ClinVar:

NM_078470.6(COX15):c.396-3C>G

Gene: COX15 (cytochrome c oxidase assembly factor COX15; minus strand). Cytogenetic location: 10q24.2.
Variant type: single nucleotide variant.
Coding change: c.396-3C>G on transcript NM_078470.6 (MANE Select); 3 bases into the intron before coding-DNA position 396, C replaced by G.
Molecular consequence: intron variant.
Genome position (GRCh38, 1-based): chr10:99,727,157, G>C on the plus strand (C>G on the coding strand, the complement: COX15 is on the minus strand). VCF-style: chr10-99727157-G-C. GRCh37 (hg19) VCF-style: chr10-101486914-G-C.
Other names: IVS3, C-G, -3; c.396-3C>G (NM_001320974.2, NM_001372026.1, NM_001372028.1 and 5 more transcripts); c.-59-86C>G (NM_001320976.2).
Identifiers: ClinVar variation 280009 (VCV000280009.18), dbSNP rs200910834, ClinGen allele CA5642274.

ClinVar aggregate classification (germline): Conflicting classifications of pathogenicity. Review status: criteria provided, conflicting classifications (1 of 4 stars). 9 submissions from 9 submitters: Pathogenic (3); Likely pathogenic (4); Uncertain significance (1). 1 of the submissions does not count toward it. Last evaluated 2026-04-23.

Conditions:
COX15-related disorder. Also called: COX15-related condition.
Cardioencephalomyopathy, fatal infantile, due to cytochrome c oxidase deficiency 2 (MC4DN6). Also called: MITOCHONDRIAL COMPLEX IV DEFICIENCY, NUCLEAR TYPE 6. Identifiers: Orphanet 1561, MedGen C3554534, MONDO:0014051, OMIM 615119.
Leigh syndrome (NULS). Also called: Subacute necrotizing encephalopathy; Necrotizing encephalopathy infantile subacute of Leigh; LEIGH SYNDROME, NUCLEAR; Leigh Disease; Leigh's syndrome; Leigh's necrotizing encephalopathy. Identifiers: Orphanet 506, MedGen C2931891, MONDO:0009723, OMIM 256000.

Allele frequency attached by ClinVar (database versions not stated): gnomAD exomes 0.00008; TOPMed 0.00009; ExAC 0.00011; gnomAD 0.00011; ESP Exome Variant Server 0.00015; 1000 Genomes Project 30x 0.00031; 1000 Genomes Project 0.00040.
gnomAD v4.1: 291 of 1,613,982 alleles (0.018%); highest among the groups gnomAD compares: Non-Finnish European, 0.023%; no homozygotes.

Submissions (10):

Greenwood Genetic Center Diagnostic Laboratories, Greenwood Genetic Center
Classification: Pathogenic for Cardioencephalomyopathy, fatal infantile, due to cytochrome c oxidase deficiency 2. Last evaluated: 2026-04-23. Review status: criteria provided, single submitter. Criteria: ACMG Guidelines, 2015. Collection method: clinical testing. Allele origin: germline. Affected: yes.
Comment: PM2, PM3, PS3_Very Strong

Labcorp Genetics (formerly Invitae), Labcorp
Classification: Likely pathogenic. Last evaluated: 2026-02-01. Review status: criteria provided, single submitter. Criteria: Invitae Variant Classification Sherloc (09022015). Collection method: clinical testing. Allele origin: germline.
Comment: This sequence change falls in intron 3 of the COX15 gene. It does not directly change the encoded amino acid sequence of the COX15 protein. It affects a nucleotide within the consensus splice site. This variant is present in population databases (rs200910834, gnomAD 0.01%). This variant has been observed in individual(s) with mitochondrial complex IV deficiency (PMID: 12474143). In at least one individual the data is consistent with being in trans (on the opposite chromosome) from a pathogenic variant. This variant is also known as C447-3G. ClinVar contains an entry for this variant (Variation ID: 280009). Studies have shown that this variant alters COX15 gene expression (PMID: 12474143). Variants that disrupt the consensus splice site are a relatively common cause of aberrant splicing (PMID: 17576681, 9536098). Algorithms developed to predict the effect of sequence changes on RNA splicing suggest that this variant may disrupt the consensus splice site. In summary, the currently available evidence indicates that the variant is pathogenic, but additional data are needed to prove that conclusively. Therefore, this variant has been classified as Likely Pathogenic.

Women's Health and Genetics/Laboratory Corporation of America, LabCorp
Classification: Pathogenic for Leigh syndrome. Last evaluated: 2024-08-22. Review status: criteria provided, single submitter. Criteria: LabCorp Variant Classification Summary - May 2015. Collection method: clinical testing. Allele origin: germline.
Comment: Variant summary: COX15 c.396-3C>G alters a non-conserved nucleotide located close to a canonical splice site and therefore could affect mRNA splicing, leading to a significantly altered protein sequence. Several computational tools predict a significant impact on normal splicing: Three predict the variant abolishes a canonical 3' acceptor site and one predicts the variant weakens the canonical 3' acceptor site. One publication reports experimental evidence that this variant indeed affects mRNA splicing, causing a frameshift and premature truncation as a result of the skipping of exon 4 (Antonicka_2003). The variant allele was found at a frequency of 7.6e-05 in 251368 control chromosomes, predominantly at a frequency of 0.00015 within the Non-Finnish European subpopulation in the gnomAD database. This frequency is not significantly higher than expected for a pathogenic variant in COX15 causing Leigh Syndrome (7.6e-05 vs 0.0013), allowing no conclusion about variant significance. c.396-3C>G has been reported in the literature in the compound heterozygous state together with a pathogenic variant in an individual with isolated cytochrome c oxidase (COX) deficiency and early onset, fatal hypertrophic cardiomyopathy (Antonicka_2003). This individual had reduced COX activity, particularly in heart tissue, and overexpression of COX15 in cultured fibroblasts restored activity to approximately 60% of normal (Antonicka_2003). Altogether these data suggest the variant is likely associated with disease. The following publication has been ascertained in the context of this evaluation (PMID: 12474143). ClinVar contains an entry for this variant (Variation ID: 280009). Based on the evidence outlined above, the variant was classified as pathogenic.

Fulgent Genetics
Classification: Likely pathogenic for Cardioencephalomyopathy, fatal infantile, due to cytochrome c oxidase deficiency 2. Last evaluated: 2024-03-19. Review status: criteria provided, single submitter. Criteria: ACMG Guidelines, 2015. Collection method: clinical testing. Allele origin: germline.

Blueprint Genetics
Classification: Likely pathogenic for COX15-related disorders. Last evaluated: 2023-12-28. Review status: criteria provided, single submitter. Criteria: ACMG Guidelines, 2015. Collection method: clinical testing. Allele origin: germline. Affected: yes. Observed: 5 variant alleles.

Department of Pathology and Laboratory Medicine, Sinai Health System
Classification: Likely pathogenic for Cardioencephalomyopathy, fatal infantile, due to cytochrome c oxidase deficiency 2. Last evaluated: 2023-10-23. Review status: criteria provided, single submitter. Criteria: ACMG Guidelines, 2015. Collection method: research. Allele origin: germline.

GeneDx
Classification: Pathogenic. Last evaluated: 2023-03-25. Review status: criteria provided, single submitter. Criteria: GeneDx Variant Classification Process June 2021. Collection method: clinical testing. Allele origin: germline. Affected: yes.
Comment: Canonical splice site variant predicted to result in a null allele in a gene for which loss of function is a known mechanism of disease; Not observed at significant frequency in large population cohorts (gnomAD); This variant is associated with the following publications: (PMID: 34426522, 32232962, 29431110, 12474143)

Eurofins Ntd Llc (ga)
Classification: Uncertain significance. Last evaluated: 2017-01-05. Review status: criteria provided, single submitter. Criteria: EGL Classification Definitions 2015. Collection method: clinical testing. Allele origin: germline. Observed: 1 variant allele, 1 heterozygote.

OMIM
Classification: Pathogenic for MITOCHONDRIAL COMPLEX IV DEFICIENCY, NUCLEAR TYPE 6. Last evaluated: 2003-01-01. Review status: no assertion criteria provided. Collection method: literature only. Allele origin: germline. Not counted in ClinVar's aggregate classification.

Dr. Peter K. Rogan Lab, Western University
No classification provided (evidence only). Condition: Familial cancer of breast. Review status: no classification provided. Collection method: in vitro. Allele origin: not applicable. Functional consequence: retained intron. Not counted in ClinVar's aggregate classification.

Literature cited by the submitters: PubMed 12474143 (cited by 3 submitters); PubMed 17576681 (cited by Labcorp Genetics (formerly Invitae), Labcorp); PubMed 9536098 (cited by Labcorp Genetics (formerly Invitae), Labcorp).